The following is an entry in ClinVar:

NM_001282225.2(ADA2):c.457C>T (p.Pro153Ser)

Gene: ADA2 (adenosine deaminase 2; minus strand). Cytogenetic location: 22q11.1.
Variant type: single nucleotide variant.
Coding change: c.457C>T on transcript NM_001282225.2 (MANE Select); coding-DNA position 457, C replaced by T.
Protein change: p.Pro153Ser; replaces proline 153 with serine.
Molecular consequence: missense variant.
Genome position (GRCh38, 1-based): chr22:17,207,156, G>A on the plus strand (C>T on the coding strand, the complement: ADA2 is on the minus strand). VCF-style: chr22-17207156-G-A. GRCh37 (hg19) VCF-style: chr22-17688046-G-A.
Other names: c.457C>T, p.Pro153Ser (NM_001282226.2); c.331C>T, p.Pro111Ser (NM_001282227.2, NM_001282228.2); c.97C>T, p.Pro33Ser (NM_001282229.2); short protein forms P153S, P33S, P111S.
Identifiers: ClinVar variation 2193401 (VCV002193401.4), dbSNP rs2062362126, ClinGen allele CA410229661.

ClinVar aggregate classification (germline): Uncertain significance (1 of 4 stars; one submission).

Conditions:
Deficiency of adenosine deaminase 2. Also called: Polyarteritis nodosa, childhoood-onset; Adenosine Deaminase 2 Deficiency; VASCULITIS, AUTOINFLAMMATION, IMMUNODEFICIENCY, AND HEMATOLOGIC DEFECTS SYNDROME. Identifiers: Orphanet 404553, MedGen C3887654, MONDO:0014306, OMIM 615688, MONDO:0100317.

Allele frequency attached by ClinVar (database versions not stated): TOPMed below 0.00001.

Submission:

Labcorp Genetics (formerly Invitae), Labcorp
Classification: Uncertain significance for Deficiency of adenosine deaminase 2. Last evaluated: 2022-02-23. Review status: criteria provided, single submitter. Criteria: Invitae Variant Classification Sherloc (09022015). Collection method: clinical testing. Allele origin: germline.
Comment: In summary, the available evidence is currently insufficient to determine the role of this variant in disease. Therefore, it has been classified as a Variant of Uncertain Significance. This sequence change replaces proline, which is neutral and non-polar, with serine, which is neutral and polar, at codon 153 of the ADA2 protein (p.Pro153Ser). This variant is not present in population databases (gnomAD no frequency). This missense change has been observed in individual(s) with ADA2 deficiency (Invitae). In at least one individual the data is consistent with being in trans (on the opposite chromosome) from a pathogenic variant. Algorithms developed to predict the effect of missense changes on protein structure and function (SIFT, PolyPhen-2, Align-GVGD) all suggest that this variant is likely to be tolerated.